The following is an entry in ClinVar:

ClinVar aggregate classification (germline): Pathogenic. Review status: criteria provided, multiple submitters, no conflicts (2 of 4 stars). 2 submissions from 2 submitters: Pathogenic (2). Last evaluated 2025-07-21.

Submissions (2):

Revvity Omics, Revvity
Classification: Pathogenic. Last evaluated: 2025-07-21. Review status: criteria provided, single submitter. Criteria: ACMG Guidelines, 2015. Collection method: clinical testing. Allele origin: germline.

Labcorp Genetics (formerly Invitae), Labcorp
Classification: Pathogenic. Last evaluated: 2024-10-02. Review status: criteria provided, single submitter. Criteria: Invitae Variant Classification Sherloc (09022015). Collection method: clinical testing. Allele origin: germline.
Comment: This sequence change creates a premature translational stop signal (p.Val210Argfs*10) in the PKLR gene. It is expected to result in an absent or disrupted protein product. Loss-of-function variants in PKLR are known to be pathogenic (PMID: 15953013, 26832193). This variant is present in population databases (no rsID available, gnomAD 0.0009%). This premature translational stop signal has been observed in individual(s) with pyruvate kinase deficiency (PMID: 9057665). Algorithms developed to predict the effect of sequence changes on RNA splicing suggest that this variant may disrupt the consensus splice site. For these reasons, this variant has been classified as Pathogenic.

Literature cited by the submitters: PubMed 15953013 (cited by Labcorp Genetics (formerly Invitae), Labcorp); PubMed 26832193 (cited by Labcorp Genetics (formerly Invitae), Labcorp); PubMed 9057665 (cited by Labcorp Genetics (formerly Invitae), Labcorp).

NM_000298.6(PKLR):c.628_629del (p.Val210fs)

Gene: PKLR (pyruvate kinase L/R; minus strand). Cytogenetic location: 1q22.
Variant type: Deletion.
Coding change: c.628_629del on transcript NM_000298.6 (MANE Select); coding-DNA positions 628 to 629, 2 bases deleted (GT; older notation c.628_629delGT).
Protein change: p.Val210fs; shifts the reading frame from valine 210.
Molecular consequence: frameshift variant.
Genome position (GRCh38, 1-based): chr1:155,295,181-155,295,182, AC deleted on the plus strand (GT on the coding strand, the reverse complement: PKLR is on the minus strand). VCF-style (leftmost placement, unchanged base first): chr1-155295180-GAC-G. GRCh37 (hg19) VCF-style: chr1-155264971-GAC-G.
Other names: c.535_536del, p.Val179fs (NM_181871.4); short protein forms V210fs, V179fs.
Identifiers: ClinVar variation 3648316 (VCV003648316.3).